The following is an entry in ClinVar:

ClinVar aggregate classification (germline): Uncertain significance (1 of 4 stars; one submission).

Conditions:
Hereditary cancer-predisposing syndrome. Also called: Neoplastic Syndromes, Hereditary; Tumor predisposition; Hereditary neoplastic syndrome; Hereditary Cancer Syndrome. Identifiers: Orphanet 140162, MedGen C0027672, MeSH D009386, MONDO:0015356.

Submission:

Ambry Genetics
Classification: Uncertain significance for Hereditary cancer-predisposing syndrome. Last evaluated: 2026-07-06. Review status: criteria provided, single submitter. Criteria: Ambry Variant Classification Scheme 2023. Collection method: clinical testing. Allele origin: germline.
Comment: The p.D192N variant (also known as c.574G>A), located in coding exon 7 of the BAP1 gene, results from a G to A substitution at nucleotide position 574. The aspartic acid at codon 192 is replaced by asparagine, an amino acid with highly similar properties. This amino acid position is conserved. In addition, this alteration is predicted to be tolerated by in silico analysis. Based on the available evidence, the clinical significance of this variant remains unclear.

NM_004656.4(BAP1):c.574G>A (p.Asp192Asn)

Gene: BAP1 (BRCA1 associated deubiquitinase 1; minus strand). Cytogenetic location: 3p21.1.
Variant type: single nucleotide variant.
Coding change: c.574G>A on transcript NM_004656.4 (MANE Select); coding-DNA position 574, G replaced by A.
Protein change: p.Asp192Asn; replaces aspartic acid 192 with asparagine.
Molecular consequence: missense variant.
Genome position (GRCh38, 1-based): chr3:52,407,180, C>T on the plus strand (G>A on the coding strand, the complement: BAP1 is on the minus strand). VCF-style: chr3-52407180-C-T. GRCh37 (hg19) VCF-style: chr3-52441196-C-T.
Other names: c.574G>A, p.Asp192Asn (NM_001410772.1); short protein forms D192N.
Identifiers: ClinVar variation 5032723 (VCV005032723.1).